The following is an entry in ClinVar:

ClinVar aggregate classification (germline): Uncertain significance (1 of 4 stars; one submission).

gnomAD v4.1: 7 of 1,613,906 alleles (0.00043%); highest among the groups gnomAD compares: Non-Finnish European, 0.00059%; no homozygotes.

Submission:

GeneDx
Classification: Uncertain significance. Last evaluated: 2023-06-30. Review status: criteria provided, single submitter. Criteria: GeneDx Variant Classification Process June 2021. Collection method: clinical testing. Allele origin: germline. Affected: yes.
Comment: Not observed at significant frequency in large population cohorts (gnomAD); In silico analysis supports that this missense variant does not alter protein structure/function; Has not been previously published as pathogenic or benign to our knowledge

NM_003719.5(PDE8B):c.1480A>G (p.Thr494Ala)

Gene: PDE8B (phosphodiesterase 8B; plus strand). Cytogenetic location: 5q13.3.
Variant type: single nucleotide variant.
Coding change: c.1480A>G on transcript NM_003719.5 (MANE Select); coding-DNA position 1480, A replaced by G.
Protein change: p.Thr494Ala; replaces threonine 494 with alanine.
Molecular consequence: missense variant. On other transcripts: intron variant (1).
Genome position (GRCh38, 1-based): chr5:77,409,007, A>G. VCF-style: chr5-77409007-A-G. GRCh37 (hg19) VCF-style: chr5-76704832-A-G.
Other names: c.1189A>G, p.Thr397Ala (NM_001029851.4); c.1420A>G, p.Thr474Ala (NM_001029853.4); c.1339A>G, p.Thr447Ala (NM_001029854.4); c.1477A>G, p.Thr493Ala (NM_001349748.3, NM_001349751.3); c.1543A>G, p.Thr515Ala (NM_001349749.3); c.1240A>G, p.Thr414Ala (NM_001349750.3); c.1174A>G, p.Thr392Ala (NM_001349752.3); c.1108A>G, p.Thr370Ala (NM_001349753.2, NM_001376067.1, NM_001376068.1 and 2 more transcripts); and 12 more; short protein forms T273A, T276A, T296A, T345A, T346A, T366A, T370A, T373A.
Identifiers: ClinVar variation 3360694 (VCV003360694.1).
Genomic context (GRCh38, chr5:77,409,007, plus strand): 5'-GCCTTGGACAGAGTTCTAGAGATTTTACGGACCACAGAACTGTACTCCCCTCAGCTGGGT[A>G]CCAAAGATGAAGATCCCCACACCAGTGATCTTGTTGGAGGCCTGATGACTGTGAGTGATG-3'
Protein context (NP_003710.1, residues 484-504): TTELYSPQLG[Thr494Ala]KDEDPHTSDL